The following is an entry in ClinVar:

NM_000051.4(ATM):c.3136C>A (p.Leu1046Ile)

Gene: ATM (ATM serine/threonine kinase; plus strand). Cytogenetic location: 11q22.3.
Variant type: single nucleotide variant.
Coding change: c.3136C>A on transcript NM_000051.4 (MANE Select); coding-DNA position 3136, C replaced by A.
Protein change: p.Leu1046Ile; replaces leucine 1046 with isoleucine.
Molecular consequence: missense variant.
Genome position (GRCh38, 1-based): chr11:108,272,590, C>A. VCF-style: chr11-108272590-C-A. GRCh37 (hg19) VCF-style: chr11-108143317-C-A.
Other names: c.3136C>A, p.Leu1046Ile (NM_001351834.2); short protein forms L1046I.
Identifiers: ClinVar variation 4747195 (VCV004747195.1).
Genomic context (GRCh38, chr11:108,272,590, plus strand): 5'-AGGCATCTAACAAAGGAGAGGAAATATATATTCTCTGTAAGAATGGCCCTAGTAAATTGC[C>A]TTAAAACTTTGCTTGAGGTGAGTTTTTGCATTTTTTTAGTAAGATCTCCATTGAAAATTT-3'
Protein context (NP_000042.3, residues 1036-1056): FSVRMALVNC[Leu1046Ile]KTLLEADPYS

ClinVar aggregate classification (germline): Uncertain significance (1 of 4 stars; one submission).

Conditions:
Ataxia-telangiectasia syndrome (AT). Also called: Ataxia-telangiectasia, complementation group D; AT, COMPLEMENTATION GROUP C; Ataxia-telangiectasia; Ataxia telangiectasia (A-T); LOUIS-BAR SYNDROME; Cerebello-oculocutaneous telangiectasia. Identifiers: Orphanet 100, MedGen C0004135, MONDO:0008840, OMIM 208900.

Submission:

Labcorp Genetics (formerly Invitae), Labcorp
Classification: Uncertain significance for Ataxia-telangiectasia syndrome. Last evaluated: 2025-07-02. Review status: criteria provided, single submitter. Criteria: Invitae Variant Classification Sherloc (09022015). Collection method: clinical testing. Allele origin: germline.
Comment: This sequence change replaces leucine, which is neutral and non-polar, with isoleucine, which is neutral and non-polar, at codon 1046 of the ATM protein (p.Leu1046Ile). This variant is not present in population databases (gnomAD no frequency). This variant has not been reported in the literature in individuals affected with ATM-related conditions. Invitae Evidence Modeling of protein sequence and biophysical properties (such as structural, functional, and spatial information, amino acid conservation, physicochemical variation, residue mobility, and thermodynamic stability) indicates that this missense variant is not expected to disrupt ATM protein function with a negative predictive value of 95%. This variant disrupts the p.Leu1046 amino acid residue in ATM. Other variant(s) that disrupt this residue have been determined to be pathogenic (PMID: 27664052, 31429931; internal data). This suggests that this residue is clinically significant, and that variants that disrupt this residue are likely to be disease-causing. In summary, the available evidence is currently insufficient to determine the role of this variant in disease. Therefore, it has been classified as a Variant of Uncertain Significance.

Literature cited by the submitters: PubMed 27664052; PubMed 31429931.